The following is an entry in ClinVar:

NM_000038.6(APC):c.646-5277T>G

Gene: APC (APC regulator of WNT signaling pathway; plus strand). Cytogenetic location: 5q22.2.
Variant type: single nucleotide variant.
Coding change: c.646-5277T>G on transcript NM_000038.6 (MANE Select); 5277 bases into the intron before coding-DNA position 646, T replaced by G.
Molecular consequence: intron variant.
Genome position (GRCh38, 1-based): chr5:112,787,169, T>G. VCF-style: chr5-112787169-T-G. GRCh37 (hg19) VCF-style: chr5-112122866-T-G.
Other names: c.646-5277T>G (NM_001354895.2, NM_001127510.3, NM_001354896.2 and 1 more transcripts); c.676-5277T>G (NM_001354897.2, NM_001354902.2); c.675+6266T>G (NM_001127511.3); c.571-5277T>G (NM_001354898.2, NM_001354904.2); c.-390-5277T>G (NM_001354906.2); c.645+6266T>G (NM_001354899.2); c.469-5277T>G (NM_001354900.2, NM_001354901.2, NM_001354905.2).
Identifiers: ClinVar variation 82460 (VCV000082460.2), dbSNP rs78434833, ClinGen allele CA012065.

ClinVar aggregate classification (germline): other (0 of 4 stars; one submission).

Conditions:
Familial colorectal cancer. Identifiers: MedGen CN280943, MONDO:0023113. Disease mechanism: loss of function.

Submission:

Systems Biology Platform Zhejiang California International NanoSystems Institute
Classification: other for Familial colorectal cancer. Review status: no assertion criteria provided. Collection method: not provided. Allele origin: unknown.
ClinVar note: Converted during submission from cancer to other.